The following is an entry in ClinVar:

ClinVar aggregate classification (germline): Pathogenic. Review status: criteria provided, multiple submitters, no conflicts (2 of 4 stars). 2 submissions from 2 submitters: Pathogenic (2). Last evaluated 2025-11-19.

Conditions:
CDHR1-related disorders.

Allele frequency attached by ClinVar (database versions not stated): gnomAD exomes below 0.00001; ExAC 0.00001; gnomAD 0.00001; TOPMed 0.00001; ESP Exome Variant Server 0.00008.

Submissions (2):

Labcorp Genetics (formerly Invitae), Labcorp
Classification: Pathogenic. Last evaluated: 2025-11-19. Review status: criteria provided, single submitter. Criteria: Invitae Variant Classification Sherloc (09022015). Collection method: clinical testing. Allele origin: germline.
Comment: This sequence change creates a premature translational stop signal (p.His319Thrfs*4) in the CDHR1 gene. It is expected to result in an absent or disrupted protein product. Loss-of-function variants in CDHR1 are known to be pathogenic (PMID: 23044944, 23591405, 26103963, 26261414). This variant is present in population databases (rs760608593, gnomAD 0.007%). This variant has not been reported in the literature in individuals affected with CDHR1-related conditions. ClinVar contains an entry for this variant (Variation ID: 866838). For these reasons, this variant has been classified as Pathogenic.

Blueprint Genetics
Classification: Pathogenic for CDHR1-related disorders. Last evaluated: 2021-11-17. Review status: criteria provided, single submitter. Criteria: ACMG Guidelines, 2015. Collection method: clinical testing. Allele origin: germline. Affected: yes. Observed: 4 variant alleles.

Literature cited by the submitters: PubMed 23044944 (cited by Labcorp Genetics (formerly Invitae), Labcorp); PubMed 23591405 (cited by Labcorp Genetics (formerly Invitae), Labcorp); PubMed 26103963 (cited by Labcorp Genetics (formerly Invitae), Labcorp); PubMed 26261414 (cited by Labcorp Genetics (formerly Invitae), Labcorp).

NM_033100.4(CDHR1):c.954_958del (p.His319fs)

Gene: CDHR1 (cadherin related family member 1; plus strand). Cytogenetic location: 10q23.1.
Variant type: Deletion.
Coding change: c.954_958del on transcript NM_033100.4 (MANE Select); coding-DNA positions 954 to 958, 5 bases deleted (GCATG; older notation c.954_958delGCATG).
Protein change: p.His319fs; shifts the reading frame from histidine 319.
Molecular consequence: frameshift variant.
Genome position (GRCh38, 1-based): chr10:84,205,918-84,205,922, GCATG deleted. VCF-style (leftmost placement, unchanged base first): chr10-84205917-TGCATG-T. GRCh37 (hg19) VCF-style: chr10-85965673-TGCATG-T.
Other names: c.954_958del, p.His319fs (NM_001171971.3); short protein forms H319fs.
Identifiers: ClinVar variation 866838 (VCV000866838.8), dbSNP rs760608593, ClinGen allele CA5579781.